The following is an entry in ClinVar:

NM_152309.3(PIK3AP1):c.1931G>A (p.Arg644His)

Gene: PIK3AP1 (phosphoinositide-3-kinase adaptor protein 1; minus strand). Cytogenetic location: 10q24.1.
Variant type: single nucleotide variant.
Coding change: c.1931G>A on transcript NM_152309.3 (MANE Select); coding-DNA position 1931, G replaced by A.
Protein change: p.Arg644His; replaces arginine 644 with histidine.
Molecular consequence: missense variant.
Genome position (GRCh38, 1-based): chr10:96,620,362, C>T on the plus strand (G>A on the coding strand, the complement: PIK3AP1 is on the minus strand). VCF-style: chr10-96620362-C-T. GRCh37 (hg19) VCF-style: chr10-98380119-C-T.
Other names: short protein forms R644H.
Identifiers: ClinVar variation 565876 (VCV000565876.12), dbSNP rs771872937, ClinGen allele CA5626130.

ClinVar aggregate classification (germline): Uncertain significance. Review status: criteria provided, multiple submitters, no conflicts (2 of 4 stars). 2 submissions from 2 submitters: Uncertain significance (2). Last evaluated 2024-09-27.

Conditions:
Infantile spasms. Also called: Infantile spasm. Identifiers: MedGen C3887898, HP:0012469.

Allele frequency attached by ClinVar (database versions not stated): gnomAD 0.00001 and 0.00002; ExAC 0.00002; gnomAD exomes 0.00003 and 0.00005; TOPMed 0.00005.
gnomAD v4.1: 73 of 1,613,870 alleles (0.0045%); highest among the groups gnomAD compares: East Asian, 0.087%; no homozygotes.

Submissions (2):

Ambry Genetics
Classification: Uncertain significance. Last evaluated: 2024-09-27. Review status: criteria provided, single submitter. Criteria: Ambry Variant Classification Scheme 2023. Collection method: clinical testing. Allele origin: germline.

Labcorp Genetics (formerly Invitae), Labcorp
Classification: Uncertain significance for Infantile spasms. Last evaluated: 2024-09-24. Review status: criteria provided, single submitter. Criteria: Invitae Variant Classification Sherloc (09022015). Collection method: clinical testing. Allele origin: germline.
Comment: This sequence change replaces arginine, which is basic and polar, with histidine, which is basic and polar, at codon 644 of the PIK3AP1 protein (p.Arg644His). This variant is present in population databases (rs771872937, gnomAD 0.01%). This variant has not been reported in the literature in individuals affected with PIK3AP1-related conditions. ClinVar contains an entry for this variant (Variation ID: 565876). An algorithm developed to predict the effect of missense changes on protein structure and function (PolyPhen-2) suggests that this variant is likely to be disruptive. In summary, the available evidence is currently insufficient to determine the role of this variant in disease. Therefore, it has been classified as a Variant of Uncertain Significance.